The following is an entry in ClinVar:

ClinVar aggregate classification (germline): Uncertain significance (1 of 4 stars; one submission).

Conditions:
Cardiovascular phenotype. Identifiers: MedGen CN230736.

Submission:

Ambry Genetics
Classification: Uncertain significance for Cardiovascular phenotype. Last evaluated: 2024-11-23. Review status: criteria provided, single submitter. Criteria: Ambry Variant Classification Scheme 2023. Collection method: clinical testing. Allele origin: germline.
Comment: The p.N1251T variant (also known as c.3752A>C), located in coding exon 23 of the SOS1 gene, results from an A to C substitution at nucleotide position 3752. The asparagine at codon 1251 is replaced by threonine, an amino acid with similar properties. This amino acid position is conserved. In addition, this alteration is predicted to be tolerated by in silico analysis. Based on the available evidence, the clinical significance of this variant remains unclear.

NM_005633.4(SOS1):c.3752A>C (p.Asn1251Thr)

Gene: SOS1 (SOS Ras/Rac guanine nucleotide exchange factor 1; minus strand). Cytogenetic location: 2p22.1.
Variant type: single nucleotide variant.
Coding change: c.3752A>C on transcript NM_005633.4 (MANE Select); coding-DNA position 3752, A replaced by C.
Protein change: p.Asn1251Thr; replaces asparagine 1251 with threonine.
Molecular consequence: missense variant.
Genome position (GRCh38, 1-based): chr2:38,986,074, T>G on the plus strand (A>C on the coding strand, the complement: SOS1 is on the minus strand). VCF-style: chr2-38986074-T-G. GRCh37 (hg19) VCF-style: chr2-39213215-T-G.
Other names: c.3731A>C, p.Asn1244Thr (NM_001382394.1); c.3707A>C, p.Asn1236Thr (NM_001382395.1); short protein forms N1244T, N1236T, N1251T.
Identifiers: ClinVar variation 2290112 (VCV002290112.3), dbSNP rs1668548545, ClinGen allele CA346362388.